The following is an entry in ClinVar:

ClinVar aggregate classification (germline): Uncertain significance. Review status: criteria provided, multiple submitters, no conflicts (2 of 4 stars). 3 submissions from 3 submitters: Uncertain significance (2). 1 of the submissions does not count toward it. Last evaluated 2024-10-24.

Conditions:
Beckwith-Wiedemann syndrome (BWS). Also called: EMG SYNDROME; Exomphalos macroglossia gigantism syndrome. Identifiers: Orphanet 116, MedGen C0004903, MONDO:0007534, OMIM 130650.
IMAGe syndrome. Also called: Intrauterine growth retardation, metaphyseal dysplasia, adrenal hypoplasia congenita, and genital anomalies; Intrauterine Growth Restriction, Metaphyseal Dysplasia, Adrenal Hypoplasia Congenita, and Genital Anomalies. Identifiers: Orphanet 85173, MedGen C1846009, MONDO:0013873, OMIM 614732.

Allele frequency attached by ClinVar (database versions not stated): TOPMed below 0.00001.

Submissions (3):

Labcorp Genetics (formerly Invitae), Labcorp
Classification: Uncertain significance for Beckwith-Wiedemann syndrome. Last evaluated: 2024-10-24. Review status: criteria provided, single submitter. Criteria: Invitae Variant Classification Sherloc (09022015). Collection method: clinical testing. Allele origin: germline.
Comment: This sequence change replaces valine, which is neutral and non-polar, with methionine, which is neutral and non-polar, at codon 25 of the CDKN1C protein (p.Val25Met). This variant is present in population databases (rs758244300, gnomAD 0.002%). This variant has not been reported in the literature in individuals affected with CDKN1C-related conditions. ClinVar contains an entry for this variant (Variation ID: 640965). Invitae Evidence Modeling of protein sequence and biophysical properties (such as structural, functional, and spatial information, amino acid conservation, physicochemical variation, residue mobility, and thermodynamic stability) indicates that this missense variant is not expected to disrupt CDKN1C protein function with a negative predictive value of 80%. In summary, the available evidence is currently insufficient to determine the role of this variant in disease. Therefore, it has been classified as a Variant of Uncertain Significance.

Fulgent Genetics
Classification: Uncertain significance for Beckwith-Wiedemann syndrome; IMAGe syndrome. Last evaluated: 2024-05-20. Review status: criteria provided, single submitter. Criteria: ACMG Guidelines, 2015. Collection method: clinical testing. Allele origin: germline.

Immunogenetics and Transplant Biology Service, University Hospital "Città della Salute e della Scienza di Torino"
Classification: Uncertain significance for Beckwith-Wiedemann syndrome. Last evaluated: 2023-07-03. Review status: no assertion criteria provided. Collection method: clinical testing. Allele origin: germline. Affected: yes. Not counted in ClinVar's aggregate classification.

NM_001122630.2(CDKN1C):c.40G>A (p.Val14Met)

Gene: CDKN1C (cyclin dependent kinase inhibitor 1C; minus strand). Cytogenetic location: 11p15.4.
Variant type: single nucleotide variant.
Coding change: c.40G>A on transcript NM_001122630.2 (MANE Select); coding-DNA position 40, G replaced by A.
Protein change: p.Val14Met; replaces valine 14 with methionine.
Molecular consequence: missense variant.
Genome position (GRCh38, 1-based): chr11:2,885,417, C>T on the plus strand (G>A on the coding strand, the complement: CDKN1C is on the minus strand). VCF-style: chr11-2885417-C-T. GRCh37 (hg19) VCF-style: chr11-2906647-C-T.
Other names: c.73G>A, p.Val25Met (LRG_533t1, NM_000076.2, NM_001362474.2); c.40G>A, p.Val14Met (NM_001122631.2, NM_001362475.2); short protein forms V14M, V25M.
Identifiers: ClinVar variation 640965 (VCV000640965.15), dbSNP rs758244300, ClinGen allele CA5822247.